The following is an entry in ClinVar:

NM_030753.5(WNT3):c.253C>T (p.Arg85Trp)

Genes: LRRC37A2 (leucine rich repeat containing 37 member A2), WNT3 (Wnt family member 3; minus strand). Cytogenetic location: 17q21.31.
Variant type: single nucleotide variant.
Coding change: c.253C>T on transcript NM_030753.5 (MANE Select); coding-DNA position 253, C replaced by T.
Protein change: p.Arg85Trp; replaces arginine 85 with tryptophan.
Molecular consequence: missense variant.
Genome position (GRCh38, 1-based): chr17:46,773,737, G>A on the plus strand (C>T on the coding strand, the complement: WNT3 is on the minus strand). VCF-style: chr17-46773737-G-A. GRCh37 (hg19) VCF-style: chr17-44851103-G-A.
Other names: short protein forms R85W.
Identifiers: ClinVar variation 2089086 (VCV002089086.4), dbSNP rs776819489, ClinGen allele CA8620656.

ClinVar aggregate classification (germline): Uncertain significance (1 of 4 stars; one submission).

Allele frequency attached by ClinVar (database versions not stated): ExAC 0.00001; gnomAD 0.00001; TOPMed 0.00001; gnomAD exomes 0.00002.
gnomAD v4.1: 30 of 1,601,696 alleles (0.0019%); highest among the groups gnomAD compares: Non-Finnish European, 0.00077%; no homozygotes.

Submission:

Labcorp Genetics (formerly Invitae), Labcorp
Classification: Uncertain significance. Last evaluated: 2022-10-13. Review status: criteria provided, single submitter. Criteria: Invitae Variant Classification Sherloc (09022015). Collection method: clinical testing. Allele origin: germline.
Comment: This sequence change replaces arginine, which is basic and polar, with tryptophan, which is neutral and slightly polar, at codon 85 of the WNT3 protein (p.Arg85Trp). This variant is present in population databases (rs776819489, gnomAD 0.03%). This variant has not been reported in the literature in individuals affected with WNT3-related conditions. Algorithms developed to predict the effect of missense changes on protein structure and function (SIFT, PolyPhen-2, Align-GVGD) all suggest that this variant is likely to be disruptive. In summary, the available evidence is currently insufficient to determine the role of this variant in disease. Therefore, it has been classified as a Variant of Uncertain Significance.